The following is an entry in ClinVar:

NM_000051.4(ATM):c.3530G>C (p.Cys1177Ser)

Gene: ATM (ATM serine/threonine kinase; plus strand). Cytogenetic location: 11q22.3.
Variant type: single nucleotide variant.
Coding change: c.3530G>C on transcript NM_000051.4 (MANE Select); coding-DNA position 3530, G replaced by C.
Protein change: p.Cys1177Ser; replaces cysteine 1177 with serine.
Molecular consequence: missense variant.
Genome position (GRCh38, 1-based): chr11:108,281,122, G>C. VCF-style: chr11-108281122-G-C. GRCh37 (hg19) VCF-style: chr11-108151849-G-C.
Other names: c.3530G>C, p.Cys1177Ser (NM_001351834.2); short protein forms C1177S.
Identifiers: ClinVar variation 142446 (VCV000142446.19), dbSNP rs587782470, ClinGen allele CA168379.
Genomic context (GRCh38, chr11:108,281,122, plus strand): 5'-TGATAGCTGTGGTTTTATCCTGTAGCCCTATCTGCGAAAAACAGGCTTTGTTTGCCCTGT[G>C]TAAATCTGTGAAAGAGAATGGATTAGAACCTCACCTTGTGAAAAAGGTATATATGGATGA-3'
Protein context (NP_000042.3, residues 1167-1187): ICEKQALFAL[Cys1177Ser]KSVKENGLEP

ClinVar aggregate classification (germline): Uncertain significance. Review status: criteria provided, multiple submitters, no conflicts (2 of 4 stars). 5 submissions from 5 submitters: Uncertain significance (5). Last evaluated 2025-07-23.

Conditions:
Hereditary cancer-predisposing syndrome. Also called: Neoplastic Syndromes, Hereditary; Hereditary Cancer Syndrome; Hereditary neoplastic syndrome; Tumor predisposition. Identifiers: Orphanet 140162, MedGen C0027672, MeSH D009386, MONDO:0015356.
Familial cancer of breast. Also called: Hereditary breast cancer; hereditary breast carcinoma; BREAST CANCER, FAMILIAL. Identifiers: Orphanet 227535, MedGen C0346153, MONDO:0016419, OMIM 114480. Disease mechanism: loss of function.
Ataxia-telangiectasia syndrome (AT). Also called: Cerebello-oculocutaneous telangiectasia; Immunodeficiency with ataxia telangiectasia; Ataxia-telangiectasia, complementation group D; AT, COMPLEMENTATION GROUP C; ATAXIA-TELANGIECTASIA, FRESNO VARIANT; ATAXIA-TELANGIECTASIA, COMPLEMENTATION GROUP A. Identifiers: Orphanet 100, MedGen C0004135, MONDO:0008840, OMIM 208900.

Allele frequency attached by ClinVar (database versions not stated): TOPMed below 0.00001.
gnomAD v4.1: 2 of 1,613,998 alleles (0.00012%); highest among the groups gnomAD compares: Non-Finnish European, 0.00017%; no homozygotes.

Submissions (5):

Labcorp Genetics (formerly Invitae), Labcorp
Classification: Uncertain significance for Ataxia-telangiectasia syndrome. Last evaluated: 2025-07-23. Review status: criteria provided, single submitter. Criteria: Invitae Variant Classification Sherloc (09022015). Collection method: clinical testing. Allele origin: germline.
Comment: This sequence change replaces cysteine, which is neutral and slightly polar, with serine, which is neutral and polar, at codon 1177 of the ATM protein (p.Cys1177Ser). This variant is not present in population databases (gnomAD no frequency). This variant has not been reported in the literature in individuals affected with ATM-related conditions. ClinVar contains an entry for this variant (Variation ID: 142446). Invitae Evidence Modeling of protein sequence and biophysical properties (such as structural, functional, and spatial information, amino acid conservation, physicochemical variation, residue mobility, and thermodynamic stability) indicates that this missense variant is not expected to disrupt ATM protein function with a negative predictive value of 95%. In summary, the available evidence is currently insufficient to determine the role of this variant in disease. Therefore, it has been classified as a Variant of Uncertain Significance.

Ambry Genetics
Classification: Uncertain significance for Hereditary cancer-predisposing syndrome. Last evaluated: 2023-09-15. Review status: criteria provided, single submitter. Criteria: Ambry Variant Classification Scheme 2023. Collection method: clinical testing. Allele origin: germline.
Comment: The p.C1177S variant (also known as c.3530G>C), located in coding exon 23 of the ATM gene, results from a G to C substitution at nucleotide position 3530. The cysteine at codon 1177 is replaced by serine, an amino acid with dissimilar properties. This amino acid position is well conserved in available vertebrate species. In addition, the in silico prediction for this alteration is inconclusive. Since supporting evidence is limited at this time, the clinical significance of this alteration remains unclear.

Baylor Genetics
Classification: Uncertain significance for Familial cancer of breast. Last evaluated: 2023-06-29. Review status: criteria provided, single submitter. Criteria: ACMG Guidelines, 2015. Collection method: clinical testing. Allele origin: unknown.

Institute for Clinical Genetics, University Hospital TU Dresden, University Hospital TU Dresden
Classification: Uncertain significance. Last evaluated: 2021-11-03. Review status: criteria provided, single submitter. Criteria: ACMG Guidelines, 2015. Collection method: clinical testing. Allele origin: germline.

GeneDx
Classification: Uncertain significance. Last evaluated: 2017-01-26. Review status: criteria provided, single submitter. Criteria: GeneDx Variant Classification (06012015). Collection method: clinical testing. Allele origin: germline. Affected: yes.
Comment: This variant is denoted ATM c.3530G>C at the cDNA level, p.Cys1177Ser (C1177S) at the protein level, and results in the change of a Cysteine to a Serine (TGT>TCT). This variant has not, to our knowledge, been published in the literature as pathogenic or benign. ATM Cys1177Ser was not observed in approximately 6,500 individuals of European and African American ancestry in the NHLBI Exome Sequencing Project, suggesting it is not a common benign variant in these populations. Since Cysteine and Serine differ in polarity, charge, size or other properties, this is considered a non-conservative amino acid substitution. ATM Cys1177Ser occurs at a position that is conserved in mammals and is located in region of interaction with beta-adaptin (Tavtigian 2009). In silico analyses predict that this variant is probably damaging to protein structure and function. Based on currently available evidence, it is unclear whether ATM Cys1177Ser is a pathogenic or benign variant. We consider it to be a variant of uncertain significance.